The following is an entry in ClinVar:

NM_018972.4(GDAP1):c.485-20C>G

Gene: GDAP1 (ganglioside induced differentiation associated protein 1; plus strand). Cytogenetic location: 8q21.11.
Variant type: single nucleotide variant.
Coding change: c.485-20C>G on transcript NM_018972.4 (MANE Select); 20 bases into the intron before coding-DNA position 485, C replaced by G.
Molecular consequence: intron variant.
Genome position (GRCh38, 1-based): chr8:74,361,864, C>G. VCF-style: chr8-74361864-C-G. GRCh37 (hg19) VCF-style: chr8-75274099-C-G.
Other names: c.485-20C>G (NM_001362931.2); c.311-20C>G (NM_001362930.2); c.158-20C>G (NM_001362929.2, NM_001362932.2); c.281-20C>G (NM_001040875.4).
Identifiers: ClinVar variation 377919 (VCV000377919.12), dbSNP rs73345392, ClinGen allele CA4785118.

ClinVar aggregate classification (germline): Benign. Review status: criteria provided, multiple submitters, no conflicts (2 of 4 stars). 4 submissions from 4 submitters: Benign (4). Last evaluated 2026-01-31.

Conditions:
Charcot-Marie-Tooth disease. Also called: Charcot-Marie-Tooth Hereditary Neuropathy; Charcot-Marie-Tooth Neuropathy. Identifiers: Orphanet 166, MedGen C0007959, MONDO:0015626.
Charcot-Marie-Tooth disease type 4A. Also called: Charcot-Marie-Tooth disease, demyelinating, autosomal recessive, type 4a. Identifiers: Orphanet 99948, MedGen C1859198, MONDO:0008961, OMIM 214400.

Allele frequency attached by ClinVar (database versions not stated): gnomAD exomes 0.00462 and 0.01120; ExAC 0.01361; gnomAD 0.04208 and 0.04498; 1000 Genomes Project 0.04513; TOPMed 0.04713; ESP Exome Variant Server 0.04882; 1000 Genomes Project 30x 0.04997.
gnomAD v4.1: 12,405 of 1,400,076 alleles (0.89%); highest among the groups gnomAD compares: African/African-American, 15%; 830 homozygotes.

Submissions (4):

Labcorp Genetics (formerly Invitae), Labcorp
Classification: Benign for Charcot-Marie-Tooth disease type 4A. Last evaluated: 2026-01-31. Review status: criteria provided, single submitter. Criteria: Invitae Variant Classification Sherloc (09022015). Collection method: clinical testing. Allele origin: germline.

GeneDx
Classification: Benign. Last evaluated: 2015-04-16. Review status: criteria provided, single submitter. Criteria: GeneDx Variant Classification (06012015). Collection method: clinical testing. Allele origin: germline. Affected: yes.
Comment: This variant is considered likely benign or benign based on one or more of the following criteria: it is a conservative change, it occurs at a poorly conserved position in the protein, it is predicted to be benign by multiple in silico algorithms, and/or has population frequency not consistent with disease.

Breakthrough Genomics
Classification: Benign. Review status: criteria provided, single submitter. Criteria: ACMG Guidelines, 2015. Collection method: not provided. Allele origin: germline. Inheritance: Autosomal recessive inheritance. Affected: yes.

Molecular Genetics Laboratory, London Health Sciences Centre
Classification: Benign for Charcot-Marie-Tooth disease. Review status: criteria provided, single submitter. Criteria: ACMG Guidelines, 2015. Collection method: clinical testing. Allele origin: germline. Affected: yes.